The following is an entry in ClinVar:

ClinVar aggregate classification (germline): Benign/Likely benign. Review status: criteria provided, multiple submitters, no conflicts (2 of 4 stars). 6 submissions from 6 submitters: Benign (3); Likely benign (2). 1 of the submissions does not count toward it. Last evaluated 2024-09-24.

Conditions:
CSNK2A1-related disorder. Also called: CSNK2A1-related condition; CSNK2A1- Related Disorders.

Allele frequency attached by ClinVar (database versions not stated): gnomAD exomes 0.00016 and 0.00031; ExAC 0.00036; gnomAD 0.00098 and 0.00101; TOPMed 0.00113; 1000 Genomes Project 0.00120; 1000 Genomes Project 30x 0.00125; ESP Exome Variant Server 0.00154.
gnomAD v4.1: 388 of 1,612,438 alleles (0.024%); highest among the groups gnomAD compares: African/African-American, 0.28%; 1 homozygote.

Submissions (8):

Blueprint Genetics
Classification: Likely benign. Last evaluated: 2024-09-24. Review status: criteria provided, single submitter. Criteria: ACMG Guidelines, 2015. Collection method: clinical testing. Allele origin: germline.

CeGaT Center for Human Genetics Tuebingen
Classification: Likely benign. Last evaluated: 2023-10-01. Review status: criteria provided, single submitter. Criteria: CeGaT Center For Human Genetics Tuebingen Variant Classification Criteria Version 2. Collection method: clinical testing. Allele origin: germline. Affected: yes. Observed: 1 variant allele.
Comment: CSNK2A1: PP3, BS1

GeneDx
Classification: Benign. Last evaluated: 2020-02-28. Review status: criteria provided, single submitter. Criteria: GeneDx Variant Classification Process June 2021. Collection method: clinical testing. Allele origin: germline. Affected: yes.

Labcorp Genetics (formerly Invitae), Labcorp
Classification: Benign. Last evaluated: 2019-12-31. Review status: criteria provided, single submitter. Criteria: Invitae Variant Classification Sherloc (09022015). Collection method: clinical testing. Allele origin: germline.

Breakthrough Genomics
Classification: Benign. Review status: criteria provided, single submitter. Criteria: ACMG Guidelines, 2015. Collection method: not provided. Allele origin: germline. Inheritance: Autosomal dominant inheritance. Affected: yes.

PreventionGenetics, part of Exact Sciences
Classification: Likely benign for CSNK2A1-related condition. Last evaluated: 2019-06-18. Review status: no assertion criteria provided. Collection method: clinical testing. Allele origin: germline. Not counted in ClinVar's aggregate classification.
Comment: This variant is classified as likely benign based on ACMG/AMP sequence variant interpretation guidelines (Richards et al. 2015 PMID: 25741868, with internal and published modifications).

Dr. Peter K. Rogan Lab, Western University
No classification provided (evidence only). Condition: Familial cancer of breast. Review status: no classification provided. Collection method: in vitro. Allele origin: not applicable. Functional consequence: retained intron. Not counted in ClinVar's aggregate classification.

Dr. Peter K. Rogan Lab, Western University
No classification provided (evidence only). Condition: Ovarian serous cystadenocarcinoma. Review status: no classification provided. Collection method: in vitro. Allele origin: not applicable. Functional consequence: retained intron. Not counted in ClinVar's aggregate classification.

NM_177559.3(CSNK2A1):c.369A>G (p.Gln123=)

Gene: CSNK2A1 (casein kinase 2 alpha 1; minus strand). Cytogenetic location: 20p13.
Variant type: single nucleotide variant.
Coding change: c.369A>G on transcript NM_177559.3 (MANE Select); coding-DNA position 369, A replaced by G.
Protein change: p.Gln123=; no amino-acid change (glutamine 123 retained).
Molecular consequence: synonymous variant. On other transcripts: 5 prime UTR variant (1).
Genome position (GRCh38, 1-based): chr20:497,778, T>C on the plus strand (A>G on the coding strand, the complement: CSNK2A1 is on the minus strand). VCF-style: chr20-497778-T-C. GRCh37 (hg19) VCF-style: chr20-478422-T-C.
Other names: NC_000020.10:g.478422T>C; c.369A>G, p.Gln123= (NM_001362770.2, NM_001362771.2, NM_001895.4); c.-40A>G (NM_177560.3).
Identifiers: ClinVar variation 713025 (VCV000713025.34), dbSNP rs143151604, ClinGen allele CA9723992.